The following is an entry in ClinVar:

ClinVar aggregate classification (germline): Uncertain significance (1 of 4 stars; one submission).

Allele frequency attached by ClinVar (database versions not stated): gnomAD exomes 0.00001; TOPMed 0.00001.
gnomAD v4.1: 14 of 1,605,322 alleles (0.00087%); highest among the groups gnomAD compares: East Asian, 0.0067%; no homozygotes.

Submission:

Labcorp Genetics (formerly Invitae), Labcorp
Classification: Uncertain significance. Last evaluated: 2025-12-08. Review status: criteria provided, single submitter. Criteria: Invitae Variant Classification Sherloc (09022015). Collection method: clinical testing. Allele origin: germline.
Comment: This sequence change replaces tyrosine, which is neutral and polar, with cysteine, which is neutral and slightly polar, at codon 1493 of the CACNA1B protein (p.Tyr1493Cys). This variant is present in population databases (no rsID available, gnomAD 0.01%). This variant has not been reported in the literature in individuals affected with CACNA1B-related conditions. ClinVar contains an entry for this variant (Variation ID: 1943658). Invitae Evidence Modeling of protein sequence and biophysical properties (such as structural, functional, and spatial information, amino acid conservation, physicochemical variation, residue mobility, and thermodynamic stability) indicates that this missense variant is not expected to disrupt CACNA1B protein function with a negative predictive value of 80%. In summary, the available evidence is currently insufficient to determine the role of this variant in disease. Therefore, it has been classified as a Variant of Uncertain Significance.

NM_000718.4(CACNA1B):c.4478A>G (p.Tyr1493Cys)

Gene: CACNA1B (calcium voltage-gated channel subunit alpha1 B; plus strand). Cytogenetic location: 9q34.3.
Variant type: single nucleotide variant.
Coding change: c.4478A>G on transcript NM_000718.4 (MANE Select); coding-DNA position 4478, A replaced by G.
Protein change: p.Tyr1493Cys; replaces tyrosine 1493 with cysteine.
Molecular consequence: missense variant.
Genome position (GRCh38, 1-based): chr9:138,059,083, A>G. VCF-style: chr9-138059083-A-G. GRCh37 (hg19) VCF-style: chr9-140953535-A-G.
Other names: c.4478A>G, p.Tyr1493Cys (NM_001243812.2); short protein forms Y1493C.
Identifiers: ClinVar variation 1943658 (VCV001943658.5), dbSNP rs1340807243, ClinGen allele CA375814788.
Genomic context (GRCh38, chr9:138,059,083, plus strand): 5'-ATGGGGTGTCTTGGGGCTGCCAAACCCATGGCCAACAGTGCCTATTCCCCGGGCAGTTCT[A>G]TGATGCACCCTATGAGTACGAGCTGATGCTGAAATGCCTGAACATCGTGTTCACATCCAT-3'
Protein context (NP_000709.1, residues 1483-1503): LNTVVLMMKF[Tyr1493Cys]DAPYEYELML